The following is an entry in ClinVar:

NM_001195553.2(DCX):c.777T>A (p.Tyr259Ter)

Gene: DCX (doublecortin; minus strand). Cytogenetic location: Xq23.
Variant type: single nucleotide variant.
Coding change: c.777T>A on transcript NM_001195553.2 (MANE Select); coding-DNA position 777, T replaced by A.
Protein change: p.Tyr259Ter; replaces tyrosine 259 with a stop codon.
Molecular consequence: nonsense.
Genome position (GRCh38, 1-based): chrX:111,333,082, A>T on the plus strand (T>A on the coding strand, the complement: DCX is on the minus strand). VCF-style: chrX-111333082-A-T. GRCh37 (hg19) VCF-style: chrX-110576310-A-T.
Other names: c.1020T>A, p.Tyr340Ter (NM_000555.3); c.777T>A, p.Tyr259Ter (NM_001369370.1, NM_001369371.1, NM_001369372.1 and 5 more transcripts); short protein forms Y259*, Y340*.
Identifiers: ClinVar variation 620523 (VCV000620523.3), dbSNP rs747557639, ClinGen allele CA414241668.
Genomic context (GRCh38, chrX:111,333,082, plus strand): 5'-GAGCAATAAAACCCAGTGGTTATGCTTACCATTTTCATCCAGAGAAAAATCATCCTGAGC[A>T]TAGCGAAATTTTTCAGGACCACAGGCAATAAACACATCATCATCACCAAAGAAATCATGG-3'

ClinVar aggregate classification (germline): Pathogenic (1 of 4 stars; one submission).

Submission:

GeneDx
Classification: Pathogenic. Last evaluated: 2019-08-21. Review status: criteria provided, single submitter. Criteria: GeneDx Variant Classification Process June 2021. Collection method: clinical testing. Allele origin: germline. Affected: yes.
Comment: Nonsense variant predicted to result in protein truncation or nonsense mediated decay in a gene for which loss-of-function is a known mechanism of disease; Not observed in large population cohorts (Lek et al., 2016); Has not been previously published as pathogenic or benign to our knowledge